The following is an entry in ClinVar:

NM_000053.4(ATP7B):c.1799C>A (p.Ala600Asp)

Gene: ATP7B (ATPase copper transporting beta; minus strand). Cytogenetic location: 13q14.3.
Variant type: single nucleotide variant.
Coding change: c.1799C>A on transcript NM_000053.4 (MANE Select); coding-DNA position 1799, C replaced by A.
Protein change: p.Ala600Asp; replaces alanine 600 with aspartic acid.
Molecular consequence: missense variant. On other transcripts: intron variant (3).
Genome position (GRCh38, 1-based): chr13:51,964,942, G>T on the plus strand (C>A on the coding strand, the complement: ATP7B is on the minus strand). VCF-style: chr13-51964942-G-T. GRCh37 (hg19) VCF-style: chr13-52539078-G-T.
Other names: c.1799C>A, p.Ala600Asp (NM_001406515.1, NM_001406516.1, NM_001406519.1 and 24 more transcripts); c.1703C>A, p.Ala568Asp (NM_001406517.1, NM_001406518.1, NM_001406536.1 and 3 more transcripts); c.1370C>A, p.Ala457Asp (NM_001406539.1); c.1766C>A, p.Ala589Asp (NM_001406514.1, NM_001406524.1); c.1466C>A, p.Ala489Asp (NM_001243182.2); c.1285+8993C>A (NM_001406548.1); c.1707+3502C>A (NM_001406547.1, NM_001406545.1); short protein forms A457D, A489D, A568D, A589D, A600D.
Identifiers: ClinVar variation 3069668 (VCV003069668.1), dbSNP rs1485780442, ClinGen allele CA388030447.

ClinVar aggregate classification (germline): Uncertain significance (1 of 4 stars; one submission).

Conditions:
Wilson disease (WND). Also called: Wilson's disease. Identifiers: Orphanet 905, MedGen C0019202, MONDO:0010200, OMIM 277900. Disease mechanism: loss of function.

Allele frequency attached by ClinVar (database versions not stated): TOPMed below 0.00001.

Submission:

All of Us Research Program, National Institutes of Health
Classification: Uncertain significance for Wilson disease. Last evaluated: 2023-08-15. Review status: criteria provided, single submitter. Criteria: ACMG Guidelines, 2015. Collection method: clinical testing. Allele origin: germline. Inheritance: Autosomal recessive inheritance. Observed: 2 variant alleles, 2 heterozygotes.
Comment: This missense variant replaces alanine with aspartic acid at codon 600 of the ATP7B protein. Computational prediction suggests that this variant may have deleterious impact on protein structure and function (internally defined REVEL score threshold >= 0.7, PMID: 27666373). To our knowledge, functional studies have not been reported for this variant. This variant has not been reported in individuals affected with Wilson disease in the literature. This variant has not been identified in the general population by the Genome Aggregation Database (gnomAD). The available evidence is insufficient to determine the role of this variant in disease conclusively. Therefore, this variant is classified as a Variant of Uncertain Significance.

This study involves interpretation of variants in research participants for the purpose of population health screening. Participant phenotype was not available at the time of variant classification. Additional details can be found in publication PMID: 35346344, PMCID: PMC8962531